The following is an entry in ClinVar:

ClinVar aggregate classification (germline): Uncertain significance. Review status: criteria provided, multiple submitters, no conflicts (2 of 4 stars). 2 submissions from 2 submitters: Uncertain significance (2). Last evaluated 2025-12-11.

Conditions:
Dystonic disorder. Also called: Dystonia. Identifiers: MedGen C0013421, MONDO:0003441, HP:0001332.
Inborn genetic diseases. Identifiers: MedGen C0950123, MeSH D030342.

Allele frequency attached by ClinVar (database versions not stated): gnomAD 0.00001; ExAC 0.00028; TOPMed 0.00004.
gnomAD v4.1: 45 of 1,549,336 alleles (0.0029%); highest among the groups gnomAD compares: Admixed American, 0.071%; no homozygotes.

Submissions (2):

Labcorp Genetics (formerly Invitae), Labcorp
Classification: Uncertain significance for Dystonic disorder. Last evaluated: 2025-12-11. Review status: criteria provided, single submitter. Criteria: Invitae Variant Classification Sherloc (09022015). Collection method: clinical testing. Allele origin: germline.
Comment: This sequence change replaces cysteine, which is neutral and slightly polar, with glycine, which is neutral and non-polar, at codon 44 of the TOR1A protein (p.Cys44Gly). This variant is present in population databases (rs752630836, gnomAD 0.08%). This variant has not been reported in the literature in individuals affected with TOR1A-related conditions. ClinVar contains an entry for this variant (Variation ID: 2966771). Invitae Evidence Modeling of protein sequence and biophysical properties (such as structural, functional, and spatial information, amino acid conservation, physicochemical variation, residue mobility, and thermodynamic stability) has been performed for this missense variant. However, the output from this modeling did not meet the statistical confidence thresholds required to predict the impact of this variant on TOR1A protein function. In summary, the available evidence is currently insufficient to determine the role of this variant in disease. Therefore, it has been classified as a Variant of Uncertain Significance.

Ambry Genetics
Classification: Uncertain significance for Inborn genetic diseases. Last evaluated: 2024-06-03. Review status: criteria provided, single submitter. Criteria: Ambry Variant Classification Scheme 2023. Collection method: clinical testing. Allele origin: germline.

NM_000113.3(TOR1A):c.130T>G (p.Cys44Gly)

Gene: TOR1A (torsin family 1 member A; minus strand). Cytogenetic location: 9q34.11.
Variant type: single nucleotide variant.
Coding change: c.130T>G on transcript NM_000113.3 (MANE Select); coding-DNA position 130, T replaced by G.
Protein change: p.Cys44Gly; replaces cysteine 44 with glycine.
Molecular consequence: missense variant.
Genome position (GRCh38, 1-based): chr9:129,823,956, A>C on the plus strand (T>G on the coding strand, the complement: TOR1A is on the minus strand). VCF-style: chr9-129823956-A-C. GRCh37 (hg19) VCF-style: chr9-132586235-A-C.
Other names: c.130T>G (NM_000113.2); short protein forms C44G.
Identifiers: ClinVar variation 2966771 (VCV002966771.4), dbSNP rs752630836, ClinGen allele CA5278750.
Genomic context (GRCh38, chr9:129,823,956, plus strand): 5'-GCCCCAGCCTACCCTCCCGGCTAAGGCTCCGCTTCTGCCCGCAGCACTCGGCGAAGAGGC[A>C]GTAGAGACGCGGGTAGATGTAGCCGGTGAGGACGCCGGCCAGGGCCAGTCCCAGGCTGAT-3'
Protein context (NP_000104.1, residues 34-54): LTGYIYPRLY[Cys44Gly]LFAECCGQKR